The following is an entry in ClinVar:

ClinVar aggregate classification (germline): Conflicting classifications of pathogenicity. Review status: criteria provided, conflicting classifications (1 of 4 stars). 2 submissions from 2 submitters: Uncertain significance (1); Likely benign (1). Last evaluated 2024-11-13.

Conditions:
Inborn genetic diseases. Identifiers: MedGen C0950123, MeSH D030342.

Allele frequency attached by ClinVar (database versions not stated): gnomAD 0.00002; gnomAD exomes 0.00001; ExAC 0.00001.
gnomAD v4.1: 19 of 1,614,024 alleles (0.0012%); highest among the groups gnomAD compares: African/African-American, 0.0053%; no homozygotes.

Submissions (2):

Ambry Genetics
Classification: Likely benign for Inborn genetic diseases. Last evaluated: 2024-11-13. Review status: criteria provided, single submitter. Criteria: Ambry Variant Classification Scheme 2023. Collection method: clinical testing. Allele origin: germline.

Labcorp Genetics (formerly Invitae), Labcorp
Classification: Uncertain significance. Last evaluated: 2022-08-15. Review status: criteria provided, single submitter. Criteria: Invitae Variant Classification Sherloc (09022015). Collection method: clinical testing. Allele origin: germline.
Comment: In summary, the available evidence is currently insufficient to determine the role of this variant in disease. Therefore, it has been classified as a Variant of Uncertain Significance. Algorithms developed to predict the effect of missense changes on protein structure and function output the following: SIFT: "Not Available"; PolyPhen-2: "Benign"; Align-GVGD: "Not Available". The valine amino acid residue is found in multiple mammalian species, which suggests that this missense change does not adversely affect protein function. ClinVar contains an entry for this variant (Variation ID: 1399776). This variant has not been reported in the literature in individuals affected with LCT-related conditions. This variant is present in population databases (rs762651784, gnomAD 0.002%). This sequence change replaces isoleucine, which is neutral and non-polar, with valine, which is neutral and non-polar, at codon 841 of the LCT protein (p.Ile841Val).

NM_002299.4(LCT):c.2521A>G (p.Ile841Val)

Gene: LCT (lactase; minus strand). Cytogenetic location: 2q21.3.
Variant type: single nucleotide variant.
Coding change: c.2521A>G on transcript NM_002299.4 (MANE Select); coding-DNA position 2521, A replaced by G.
Protein change: p.Ile841Val; replaces isoleucine 841 with valine.
Molecular consequence: missense variant.
Genome position (GRCh38, 1-based): chr2:135,809,826, T>C on the plus strand (A>G on the coding strand, the complement: LCT is on the minus strand). VCF-style: chr2-135809826-T-C. GRCh37 (hg19) VCF-style: chr2-136567396-T-C.
Other names: c.2521A>G (NM_002299.2); short protein forms I841V.
Identifiers: ClinVar variation 1399776 (VCV001399776.6), dbSNP rs762651784, ClinGen allele CA1888206.
Genomic context (GRCh38, chr2:135,809,826, plus strand): 5'-CTGTATTAGGTGGTAGCAGTCTTTTTGCCCCCTTGGTGAGGAAACCGTTCTTTTCTATGA[T>C]GCTAGTGAAAAAGTAGGCAGATTTCCTGGGAGTCCTTGACTTGCTGCTGTCGCTGAAGTT-3'
Protein context (NP_002290.2, residues 831-851): PRKSAYFFTS[Ile841Val]IEKNGFLTKG